The following is an entry in ClinVar:

NM_001164496.2(CFAP44):c.4821_4822del (p.Lys1608fs)

Genes: CFAP44 (cilia and flagella associated protein 44; minus strand), SPICE1-CFAP44 (SPICE1-CFAP44 readthrough (NMD candidate); minus strand). Cytogenetic location: 3q13.2.
Variant type: Microsatellite.
Coding change: c.4821_4822del on transcript NM_001164496.2 (MANE Select); coding-DNA positions 4821 to 4822, 2 bases deleted (GA; older notation c.4821_4822delGA).
Protein change: p.Lys1608fs; shifts the reading frame from lysine 1608.
Molecular consequence: frameshift variant. On other transcripts: non-coding transcript variant (6).
Genome position (GRCh38, 1-based): chr3:113,305,089-113,305,090, TC deleted on the plus strand (GA on the coding strand, the reverse complement: CFAP44 is on the minus strand); deleting any 2 consecutive bases within chr3:113,305,089-113,305,094 gives the same sequence; the c. name uses the placement nearest the transcript's 3' end. VCF-style (leftmost placement, unchanged base first): chr3-113305088-TTC-T. GRCh37 (hg19) VCF-style: chr3-113023935-TTC-T.
Other names: short protein forms K1608fs.
Identifiers: ClinVar variation 5019462 (VCV005019462.2).

ClinVar aggregate classification (germline): Likely pathogenic (1 of 4 stars; one submission).

Conditions:
Spermatogenic failure 20. Identifiers: MedGen C4539824, MONDO:0054724, OMIM 617593.

Submission:

Juno Genomics, Hangzhou Juno Genomics, Inc
Classification: Likely pathogenic for Spermatogenic failure 20. Review status: criteria provided, single submitter. Criteria: ACMG Guidelines, 2015. Collection method: clinical testing. Allele origin: germline.
Comment: Absent from controls (or at extremely low frequency if recessive) in Genome Aggregation Database.;Null variant in a gene where loss of function (LOF) is a known mechanism of disease.